The following is an entry in ClinVar:

NM_024782.3(NHEJ1):c.122T>G (p.Leu41Arg)

Gene: NHEJ1 (non-homologous end joining factor 1; minus strand). Cytogenetic location: 2q35.
Variant type: single nucleotide variant.
Coding change: c.122T>G on transcript NM_024782.3 (MANE Select); coding-DNA position 122, T replaced by G.
Protein change: p.Leu41Arg; replaces leucine 41 with arginine.
Molecular consequence: missense variant. On other transcripts: non-coding transcript variant (1).
Genome position (GRCh38, 1-based): chr2:219,158,241, A>C on the plus strand (T>G on the coding strand, the complement: NHEJ1 is on the minus strand). VCF-style: chr2-219158241-A-C. GRCh37 (hg19) VCF-style: chr2-220022963-A-C.
Other names: c.122T>G, p.Leu41Arg (NM_001377498.1, NM_001377499.1); short protein forms L41R.
Identifiers: ClinVar variation 1954094 (VCV001954094.2), dbSNP rs1949876605, ClinGen allele CA350634228.
Genomic context (GRCh38, chr2:219,158,241, plus strand): 5'-CTTACCTTGGCTCGCTGGCTGACCACACTAGTGTCCACCTGTTCATGCCACACCTGTTGA[A>C]GATCTGAAACCAACAAGGCATAGCCCTGCTTGGTGATAAAAACCTTGGCCAAGAGGGAGT-3'
Protein context (NP_079058.1, residues 31-51): KQGYALLVSD[Leu41Arg]QQVWHEQVDT

ClinVar aggregate classification (germline): Uncertain significance (1 of 4 stars; one submission).

Conditions:
Cernunnos-XLF deficiency (IMD124). Also called: Severe combined immunodeficiency with sensitivity to ionizing radiation due to NHEJ1 deficiency; SCID, autosomal recessive, T cell-negative, B cell-negative, NK cell-positive, and sensitivity to ionizing radiation due to NHEJ1 deficiency; IMMUNODEFICIENCY 124, SEVERE COMBINED; NHEJ1 SYNDROME; SCID, AUTOSOMAL RECESSIVE, T CELL-NEGATIVE, B CELL-NEGATIVE, NK CELL-POSITIVE, WITH MICROCEPHALY, GROWTH RETARDATION, AND SENSITIVITY TO IONIZING RADIATION. Identifiers: Orphanet 169079, MedGen C1969799, MONDO:0012650, OMIM 611291.

Allele frequency attached by ClinVar (database versions not stated): gnomAD exomes below 0.00001; TOPMed below 0.00001.
gnomAD v4.1: 1 of 1,614,232 alleles (0.000062%); highest among the groups gnomAD compares: Admixed American, 0.0017%; no homozygotes.

Submission:

Labcorp Genetics (formerly Invitae), Labcorp
Classification: Uncertain significance for Cernunnos-XLF deficiency. Last evaluated: 2022-06-23. Review status: criteria provided, single submitter. Criteria: Invitae Variant Classification Sherloc (09022015). Collection method: clinical testing. Allele origin: germline.
Comment: This sequence change replaces leucine, which is neutral and non-polar, with arginine, which is basic and polar, at codon 41 of the NHEJ1 protein (p.Leu41Arg). This variant is not present in population databases (gnomAD no frequency). This variant has not been reported in the literature in individuals affected with NHEJ1-related conditions. Algorithms developed to predict the effect of missense changes on protein structure and function are either unavailable or do not agree on the potential impact of this missense change (SIFT: "Deleterious"; PolyPhen-2: "Probably Damaging"; Align-GVGD: "Class C0"). In summary, the available evidence is currently insufficient to determine the role of this variant in disease. Therefore, it has been classified as a Variant of Uncertain Significance.